The following is an entry in ClinVar:

ClinVar aggregate classification (germline): Uncertain significance (1 of 4 stars; one submission).

Conditions:
Renal cell carcinoma. Identifiers: Orphanet 217071, MedGen C0007134, MeSH D002292, MONDO:0005086, HP:0005584.

gnomAD v4.1: 2 of 1,614,034 alleles (0.00012%); highest among the groups gnomAD compares: Non-Finnish European, 0.00017%; no homozygotes.

Submission:

Labcorp Genetics (formerly Invitae), Labcorp
Classification: Uncertain significance for Renal cell carcinoma. Last evaluated: 2025-06-20. Review status: criteria provided, single submitter. Criteria: Invitae Variant Classification Sherloc (09022015). Collection method: clinical testing. Allele origin: germline.
Comment: This sequence change replaces isoleucine, which is neutral and non-polar, with valine, which is neutral and non-polar, at codon 1163 of the MET protein (p.Ile1163Val). This variant is not present in population databases (gnomAD no frequency). This variant has not been reported in the literature in individuals affected with MET-related conditions. Invitae Evidence Modeling of protein sequence and biophysical properties (such as structural, functional, and spatial information, amino acid conservation, physicochemical variation, residue mobility, and thermodynamic stability) indicates that this missense variant is not expected to disrupt MET protein function with a negative predictive value of 80%. In summary, the available evidence is currently insufficient to determine the role of this variant in disease. Therefore, it has been classified as a Variant of Uncertain Significance.

NM_000245.4(MET):c.3433A>G (p.Ile1145Val)

Gene: MET (MET proto-oncogene, receptor tyrosine kinase; plus strand). Cytogenetic location: 7q31.2.
Variant type: single nucleotide variant.
Coding change: c.3433A>G on transcript NM_000245.4 (MANE Select); coding-DNA position 3433, A replaced by G.
Protein change: p.Ile1145Val; replaces isoleucine 1145 with valine.
Molecular consequence: missense variant.
Genome position (GRCh38, 1-based): chr7:116,778,868, A>G. VCF-style: chr7-116778868-A-G. GRCh37 (hg19) VCF-style: chr7-116418922-A-G.
Other names: c.3487A>G, p.Ile1163Val (NM_001127500.3); c.2143A>G, p.Ile715Val (NM_001324402.2); short protein forms I715V, I1163V, I1145V.
Identifiers: ClinVar variation 4698147 (VCV004698147.1).